The following is an entry in ClinVar:

NM_000458.4(HNF1B):c.1055dup (p.Tyr352Ter)

Gene: HNF1B (HNF1 homeobox B; minus strand). Cytogenetic location: 17q12.
Variant type: Duplication.
Coding change: c.1055dup on transcript NM_000458.4 (MANE Select); coding-DNA position 1055, one base duplicated (A; older notation c.1055dupA).
Protein change: p.Tyr352Ter; replaces tyrosine 352 with a stop codon.
Molecular consequence: nonsense.
Genome position (GRCh38, 1-based): chr17:37,710,654, T duplicated on the plus strand (A on the coding strand, the reverse complement: HNF1B is on the minus strand). VCF-style (leftmost placement, unchanged base first): chr17-37710653-G-GT. GRCh37 (hg19) VCF-style: chr17-36070661-G-GT.
Other names: c.1055dupA (NM_000458.4, NM_000458.3); c.977dup, p.Tyr326Ter (NM_001165923.4, NM_001304286.2); short protein forms Y352*, Y326*.
Identifiers: ClinVar variation 12642 (VCV000012642.5), dbSNP rs1568645768, ClinGen allele CA913190761.
Genomic context (GRCh38, chr17:37,710,653, plus strand): 5'-GCTGTTGCCATGGTGACTGATTGTTGAGGAGGAAGTGATCTCATTGTTTCCCTGCTGGCT[G>GT]TAGCGCACTCCTGCAAAACAACACAAACCCAGTAGGGAACATTAGTGCCACCAGGGTCCT-3'

ClinVar aggregate classification (germline): Pathogenic. Review status: criteria provided, single submitter (1 of 4 stars). 3 submissions from 3 submitters: Pathogenic (1). 2 of the submissions do not count toward it. Last evaluated 2019-07-06.

Conditions:
Renal cysts and diabetes syndrome (RCAD). Also called: Familial hypoplastic, glomerulocystic kidney; MATURITY-ONSET DIABETES OF THE YOUNG, TYPE 5. Identifiers: Orphanet 93111, MedGen C0431693, MONDO:0007669, OMIM 137920.

Submissions (3):

Institute of Human Genetics, FAU Erlangen, Friedrich-Alexander-Universität Erlangen-Nürnberg
Classification: Pathogenic for Renal cysts and diabetes syndrome. Last evaluated: 2019-07-06. Review status: criteria provided, single submitter. Criteria: ACMG Guidelines, 2015. Collection method: literature only. Allele origin: germline. Affected: yes.
Comment: This variant and it's classification has been reported by Vasileiou et al. 2019; DOI:10.1101/576918. The variants has previously been reported in ClinVar:12642; PMID:19389850; PMID:25700310; PMID:21380624; PMID:11562418; PMID:25536396 as "HNF1B, 1-BP INS, 1055A" with clinical significance Pathogenic. It has been re-classified using InterVar and manual curation as Pathogenic based on PVS1 PM2 PP3.

Gharavi Laboratory, Columbia University
Classification: Likely pathogenic for Renal cysts and diabetes syndrome. Last evaluated: 2024-11-05. Review status: no assertion criteria provided. Criteria: ACMG Guidelines, 2015. Collection method: case-control. Allele origin: germline. Affected: yes. Not counted in ClinVar's aggregate classification.

OMIM
Classification: Pathogenic for RENAL CYSTS AND DIABETES SYNDROME. Last evaluated: 2001-10-01. Review status: no assertion criteria provided. Collection method: literature only. Allele origin: germline. Not counted in ClinVar's aggregate classification.

Literature cited by the submitters: PubMed 19389850 (cited by Institute of Human Genetics, FAU Erlangen, Friedrich-Alexander-Universität Erlangen-Nürnberg); PubMed 25700310 (cited by Institute of Human Genetics, FAU Erlangen, Friedrich-Alexander-Universität Erlangen-Nürnberg); PubMed 21380624 (cited by Institute of Human Genetics, FAU Erlangen, Friedrich-Alexander-Universität Erlangen-Nürnberg); PubMed 11562418 (cited by Institute of Human Genetics, FAU Erlangen, Friedrich-Alexander-Universität Erlangen-Nürnberg and OMIM); PubMed 25536396 (cited by Institute of Human Genetics, FAU Erlangen, Friedrich-Alexander-Universität Erlangen-Nürnberg); DOI 10.1101/576918 (cited by Institute of Human Genetics, FAU Erlangen, Friedrich-Alexander-Universität Erlangen-Nürnberg).